The following is an entry in ClinVar:

NM_000701.8(ATP1A1):c.191C>G (p.Thr64Arg)

Gene: ATP1A1 (ATPase Na+/K+ transporting subunit alpha 1; plus strand). Cytogenetic location: 1p13.1.
Variant type: single nucleotide variant.
Coding change: c.191C>G on transcript NM_000701.8 (MANE Select); coding-DNA position 191, C replaced by G.
Protein change: p.Thr64Arg; replaces threonine 64 with arginine.
Molecular consequence: missense variant.
Genome position (GRCh38, 1-based): chr1:116,387,295, C>G. VCF-style: chr1-116387295-C-G. GRCh37 (hg19) VCF-style: chr1-116929917-C-G.
Other names: c.191C>G (NM_001160233.1); c.191C>G, p.Thr64Arg (NM_001160233.2); c.98C>G, p.Thr33Arg (NM_001160234.2); short protein forms T33R, T64R.
Identifiers: ClinVar variation 1950455 (VCV001950455.6), dbSNP rs1158326714, ClinGen allele CA341840714.
Genomic context (GRCh38, chr1:116,387,295, plus strand): 5'-TGCCTTGTAAGTGCTGGTACAGTTTGCCTTATTTATATTCCACTGCTTCTCAGGGATTAA[C>G]ATCTGCTCGTGCAGCTGAGATCCTGGCGCGAGATGGTCCCAACGCCCTCACTCCCCCTCC-3'
Protein context (NP_000692.2, residues 54-74): KYGTDLSRGL[Thr64Arg]SARAAEILAR

ClinVar aggregate classification (germline): Uncertain significance. Review status: criteria provided, multiple submitters, no conflicts (2 of 4 stars). 2 submissions from 2 submitters: Uncertain significance (2). Last evaluated 2026-02-17.

Conditions:
Inborn genetic diseases. Identifiers: MedGen C0950123, MeSH D030342.

Allele frequency attached by ClinVar (database versions not stated): gnomAD exomes below 0.00001.
gnomAD v4.1: 3 of 1,614,104 alleles (0.00019%); highest among the groups gnomAD compares: Admixed American, 0.0017%; no homozygotes.

Submissions (2):

Ambry Genetics
Classification: Uncertain significance for Inborn genetic diseases. Last evaluated: 2026-02-17. Review status: criteria provided, single submitter. Criteria: Ambry Variant Classification Scheme 2023. Collection method: clinical testing. Allele origin: germline.
Comment: The c.191C>G (p.T64R) alteration is located in exon 4 (coding exon 4) of the ATP1A1 gene. This alteration results from a C to G substitution at nucleotide position 191, causing the threonine (T) at amino acid position 64 to be replaced by an arginine (R). Based on data from gnomAD, the G allele has an overall frequency of <0.001% (1/251380) total alleles studied. The highest observed frequency was 0.003% (1/34588) of Latino alleles. Based on insufficient or conflicting evidence, the clinical significance of this alteration remains unclear.

Labcorp Genetics (formerly Invitae), Labcorp
Classification: Uncertain significance. Last evaluated: 2023-11-18. Review status: criteria provided, single submitter. Criteria: Invitae Variant Classification Sherloc (09022015). Collection method: clinical testing. Allele origin: germline.
Comment: This sequence change replaces threonine, which is neutral and polar, with arginine, which is basic and polar, at codon 64 of the ATP1A1 protein (p.Thr64Arg). This variant is present in population databases (no rsID available, gnomAD 0.003%). This variant has not been reported in the literature in individuals affected with ATP1A1-related conditions. ClinVar contains an entry for this variant (Variation ID: 1950455). Advanced modeling of protein sequence and biophysical properties (such as structural, functional, and spatial information, amino acid conservation, physicochemical variation, residue mobility, and thermodynamic stability) performed at Invitae indicates that this missense variant is not expected to disrupt ATP1A1 protein function with a negative predictive value of 80%. In summary, the available evidence is currently insufficient to determine the role of this variant in disease. Therefore, it has been classified as a Variant of Uncertain Significance.